The following is an entry in ClinVar:

ClinVar aggregate classification (germline): Pathogenic (1 of 4 stars; one submission).

Conditions:
Mowat-Wilson syndrome (MOWS). Also called: Classic Mowat-Wilson Syndrome. Identifiers: Orphanet 2152, MedGen C1856113, MONDO:0009341, OMIM 235730.

Submission:

Labcorp Genetics (formerly Invitae), Labcorp
Classification: Pathogenic for Mowat-Wilson syndrome. Last evaluated: 2023-09-24. Review status: criteria provided, single submitter. Criteria: Invitae Variant Classification Sherloc (09022015). Collection method: clinical testing. Allele origin: germline.
Comment: This variant has not been reported in the literature in individuals affected with ZEB2-related conditions. This sequence change creates a premature translational stop signal (p.Thr34Argfs*3) in the ZEB2 gene. It is expected to result in an absent or disrupted protein product. Loss-of-function variants in ZEB2 are known to be pathogenic (PMID: 16053902). This variant is not present in population databases (gnomAD no frequency). For these reasons, this variant has been classified as Pathogenic.

Literature cited by the submitters: PubMed 16053902.

NM_014795.4(ZEB2):c.101_102del (p.Thr34fs)

Gene: ZEB2 (zinc finger E-box binding homeobox 2; minus strand). Cytogenetic location: 2q22.3.
Variant type: Microsatellite.
Coding change: c.101_102del on transcript NM_014795.4 (MANE Select); coding-DNA positions 101 to 102, 2 bases deleted (CA; older notation c.101_102delCA).
Protein change: p.Thr34fs; shifts the reading frame from threonine 34.
Molecular consequence: frameshift variant.
Genome position (GRCh38, 1-based): chr2:144,429,998-144,429,999, TG deleted on the plus strand (CA on the coding strand, the reverse complement: ZEB2 is on the minus strand); deleting any 2 consecutive bases within chr2:144,429,998-144,430,002 gives the same sequence; the c. name uses the placement nearest the transcript's 3' end. VCF-style (leftmost placement, unchanged base first): chr2-144429997-CTG-C. GRCh37 (hg19) VCF-style: chr2-145187564-CTG-C.
Other names: c.101_102del, p.Thr34fs (NM_001171653.2); short protein forms T34fs.
Identifiers: ClinVar variation 2763141 (VCV002763141.3), dbSNP rs2549120733, ClinGen allele CA2697551121.